The following is an entry in ClinVar:

ClinVar aggregate classification (germline): Uncertain significance (1 of 4 stars; one submission).

Conditions:
Inborn genetic diseases. Identifiers: MedGen C0950123, MeSH D030342.

gnomAD v4.1: 1 of 1,613,692 alleles (0.000062%); highest among the groups gnomAD compares: East Asian, 0.0022%; no homozygotes.

Submission:

Ambry Genetics
Classification: Uncertain significance for Inborn genetic diseases. Last evaluated: 2026-06-23. Review status: criteria provided, single submitter. Criteria: Ambry Variant Classification Scheme 2023. Collection method: clinical testing. Allele origin: germline.
Comment: The c.2294T>G (p.V765G) alteration is located in exon 18 (coding exon 17) of the HDAC4 gene. This alteration results from a T to G substitution at nucleotide position 2294, causing the valine (V) at amino acid position 765 to be replaced by a glycine (G). Based on data from gnomAD, the G allele has an overall frequency of <0.001% (1/250704) total alleles studied. The highest observed frequency was 0.005% (1/18382) of East Asian alleles. Based on insufficient or conflicting evidence, the clinical significance of this alteration remains unclear.

NM_001378414.1(HDAC4):c.2309T>G (p.Val770Gly)

Gene: HDAC4 (histone deacetylase 4; minus strand). Cytogenetic location: 2q37.3.
Variant type: single nucleotide variant.
Coding change: c.2309T>G on transcript NM_001378414.1 (MANE Select); coding-DNA position 2309, T replaced by G.
Protein change: p.Val770Gly; replaces valine 770 with glycine.
Molecular consequence: missense variant.
Genome position (GRCh38, 1-based): chr2:239,090,088, A>C on the plus strand (T>G on the coding strand, the complement: HDAC4 is on the minus strand). VCF-style: chr2-239090088-A-C. GRCh37 (hg19) VCF-style: chr2-240011784-A-C.
Other names: c.2309T>G, p.Val770Gly (NM_001378415.1); c.2294T>G, p.Val765Gly (NM_001378416.1, NM_001378417.1, NM_006037.4); c.2228T>G, p.Val743Gly (NM_001435991.1, NM_001435992.1); c.2150T>G, p.Val717Gly (NM_001435993.1); short protein forms V717G, V743G, V770G, V765G.
Identifiers: ClinVar variation 5022629 (VCV005022629.1).